The following is an entry in ClinVar:

NM_001042492.3(NF1):c.3709_3714del (p.Asp1237_Glu1238del)

Gene: NF1 (neurofibromin 1; plus strand). Cytogenetic location: 17q11.2.
Variant type: Deletion.
Coding change: c.3709_3714del on transcript NM_001042492.3 (MANE Select); coding-DNA positions 3709 to 3714, 6 bases deleted (GATGAA; older notation c.3709_3714delGATGAA).
Protein change: p.Asp1237_Glu1238del.
Molecular consequence: inframe deletion. On other transcripts: inframe indel (1).
Genome position (GRCh38, 1-based): chr17:31,235,611-31,235,616, GATGAA deleted. VCF-style (leftmost placement, unchanged base first): chr17-31235610-GGATGAA-G. GRCh37 (hg19) VCF-style: chr17-29562628-GGATGAA-G.
Other names: c.3709_3714delGATGAA, p.Asp1237_Glu1238del (NM_000267.4).
Identifiers: ClinVar variation 1512915 (VCV001512915.8), dbSNP rs2151437703, ClinGen allele CA2573153373.

ClinVar aggregate classification (germline): Likely pathogenic (1 of 4 stars; one submission).

Conditions:
Neurofibromatosis, type 1 (NF1). Also called: Neurofibromatosis, type I; Peripheral type neurofibromatosis; VON RECKLINGHAUSEN DISEASE; NEUROFIBROMATOSIS, TYPE I, SOMATIC. Identifiers: Orphanet 636, MedGen C0027831, MONDO:0018975, OMIM 162200. Disease mechanism: loss of function.

Submission:

Labcorp Genetics (formerly Invitae), Labcorp
Classification: Likely pathogenic for Neurofibromatosis, type 1. Last evaluated: 2021-03-08. Review status: criteria provided, single submitter. Criteria: Invitae Variant Classification Sherloc (09022015). Collection method: clinical testing. Allele origin: germline.
Comment: In summary, the currently available evidence indicates that the variant is pathogenic, but additional data are needed to prove that conclusively. Therefore, this variant has been classified as Likely Pathogenic. Algorithms developed to predict the effect of sequence changes on RNA splicing suggest that this variant may disrupt the consensus splice site, but this prediction has not been confirmed by published transcriptional studies. This variant has been observed in individual(s) with clinical features of Neurofibromatosis, type 1 (Invitae). In at least one individual the variant was observed to be de novo. This variant is not present in population databases (ExAC no frequency). This variant, c.3709_3714del, results in the deletion of 2 amino acid(s) of the NF1 protein (p.Asp1237_Glu1238del), but otherwise preserves the integrity of the reading frame.